The following is an entry in ClinVar:

NM_001110556.2(FLNA):c.7553-18A>G

Gene: FLNA (filamin A; minus strand). Cytogenetic location: Xq28.
Variant type: single nucleotide variant.
Coding change: c.7553-18A>G on transcript NM_001110556.2 (MANE Select); 18 bases into the intron before coding-DNA position 7553, A replaced by G.
Molecular consequence: intron variant.
Genome position (GRCh38, 1-based): chrX:154,349,583, T>C on the plus strand (A>G on the coding strand, the complement: FLNA is on the minus strand). VCF-style: chrX-154349583-T-C. GRCh37 (hg19) VCF-style: chrX-153577951-T-C.
Other names: c.7529-18A>G (NM_001456.4).
Identifiers: ClinVar variation 167076 (VCV000167076.32), dbSNP rs112682871, ClinGen allele CA295619.
Genomic context (GRCh38, chrX:154,349,583, plus strand): 5'-GATGATGTCTCGTGGAGGCTGTGGTTGCTGACGAGACGGGGGCCTGCAAGGCAGAGTGGG[T>C]GGGGCTAAGAGGTGGCTGTGGTGCCGGGCGTTGGGCAGATGCCAATAGCTTGGCCCCAGG-3'

ClinVar aggregate classification (germline): Benign. Review status: criteria provided, multiple submitters, no conflicts (2 of 4 stars). 9 submissions from 9 submitters: Benign (7). 2 of the submissions do not count toward it. Last evaluated 2026-02-03.

Conditions:
Heterotopia, periventricular, X-linked dominant (PVNH1). Also called: X-linked periventricular heterotopia; PERIVENTRICULAR NODULAR HETEROTOPIA 1; PERIVENTRICULAR NODULAR HETEROTOPIA 4; HETEROTOPIA, PERIVENTRICULAR, 1. Identifiers: Orphanet 2149, Orphanet 82004, MedGen C1848213, MONDO:0010233, OMIM 300049.
Melnick-Needles syndrome (MNS). Also called: MELNICK-NEEDLES OSTEODYSPLASTY; OSTEODYSPLASTY OF MELNICK AND NEEDLES; Melnick-Needles Syndrome (FLNA-MNS). Identifiers: Orphanet 2484, MedGen C0025237, MONDO:0010650, OMIM 309350.
Oto-palato-digital syndrome, type II (OPD2). Also called: Otopalatodigital Syndrome, Type II; FACIOPALATOOSSEOUS SYNDROME; OPD II SYNDROME; Otopalatodigital Syndrome Type 2 (FLNA-OPD2). Identifiers: Orphanet 669, Orphanet 90652, MedGen C1844696, MONDO:0010571, OMIM 304120.
Frontometaphyseal dysplasia (FMD1). Identifiers: Orphanet 1826, MedGen C0265293, MONDO:0015942.
Terminal osseous dysplasia-pigmentary defects syndrome. Also called: ODPF SYNDROME; OSSEOUS DYSPLASIA, DIGITAL, WITH FACIAL PIGMENTARY DEFECTS AND MULTIPLE FRENULA; ODPD; TERMINAL OSSEOUS DYSPLASIA AND PIGMENTARY DEFECTS; Terminal Osseous Dysplasia (FLNA-TOD). Identifiers: Orphanet 88630, MedGen C1846129, MONDO:0010279, OMIM 300244.
Intestinal pseudoobstruction, neuronal, chronic idiopathic, X-linked (CIIPX). Also called: CONGENITAL IDIOPATHIC INTESTINAL PSEUDOOBSTRUCTION; INTESTINAL PSEUDOOBSTRUCTION, NEURONAL, CHRONIC IDIOPATHIC, WITH CENTRAL NERVOUS SYSTEM INVOLVEMENT; FLNA-Related Periventricular Nodular Heterotopia (FLNA-Related PVNH; Huttenlocher Syndrome). Identifiers: Orphanet 2301, MedGen C2746068, MONDO:0010232, OMIM 300048.
Frontometaphyseal dysplasia 1 (FMD1). Also called: Frontometaphyseal Dysplasia (FLNA-FMD). Identifiers: Orphanet 1826, MedGen C4281559, MONDO:0024550, OMIM 305620.
FG syndrome 2 (FGS2). Identifiers: MedGen C1845902, MONDO:0010297, OMIM 300321.
Oto-palato-digital syndrome, type I (OPD1). Also called: Otopalatodigital Syndrome, Type I; Taybi syndrome; OPD I SYNDROME; OPD SYNDROME 1; Otopalatodigital Syndrome Type 1 (FLNA-OPD1). Identifiers: Orphanet 669, Orphanet 90650, MedGen C0265251, MONDO:0010704, OMIM 311300.
Cardiac valvular dysplasia, X-linked (CVDPX). Also called: VALVULAR HEART DISEASE, CONGENITAL; MYXOMATOUS VALVULAR DYSTROPHY, X-LINKED; Congenital valvular dysplasia; Isolated X-Linked Cardiac Valvular Dysplasia; FLNA-Related X-linked Cardiac Valvular Dysplasia. Identifiers: Orphanet 1864, Orphanet 555877, Orphanet 75497, MedGen C0262436, MONDO:0010753, OMIM 314400.

Allele frequency attached by ClinVar (database versions not stated): gnomAD exomes 0.00180 and 0.00474; ExAC 0.00618; gnomAD 0.01853 and 0.01979; TOPMed 0.02030; 1000 Genomes Project 0.02066; 1000 Genomes Project 30x 0.02102; ESP Exome Variant Server 0.02115.
gnomAD v4.1: 4,216 of 1,209,675 alleles (0.35%); highest among the groups gnomAD compares: African/African-American, 6.4%; 96 homozygotes.

Submissions (9):

Labcorp Genetics (formerly Invitae), Labcorp
Classification: Benign for Oto-palato-digital syndrome, type II; Heterotopia, periventricular, X-linked dominant; Frontometaphyseal dysplasia; Melnick-Needles syndrome. Last evaluated: 2026-02-03. Review status: criteria provided, single submitter. Criteria: Invitae Variant Classification Sherloc (09022015). Collection method: clinical testing. Allele origin: germline.

ARUP Laboratories, Molecular Genetics and Genomics, ARUP Laboratories
Classification: Benign. Last evaluated: 2024-10-11. Review status: criteria provided, single submitter. Criteria: ARUP Molecular Germline Variant Investigation Process 2024. Collection method: clinical testing. Allele origin: germline.

Women's Health and Genetics/Laboratory Corporation of America, LabCorp
Classification: Benign. Last evaluated: 2023-07-21. Review status: criteria provided, single submitter. Criteria: LabCorp Variant Classification Summary - May 2015. Collection method: clinical testing. Allele origin: germline.

Fulgent Genetics
Classification: Benign for Intestinal pseudoobstruction, neuronal, chronic idiopathic, X-linked; Heterotopia, periventricular, X-linked dominant; Terminal osseous dysplasia-pigmentary defects syndrome; FG syndrome 2; Oto-palato-digital syndrome, type II; Frontometaphyseal dysplasia 1; Melnick-Needles syndrome; Oto-palato-digital syndrome, type I; Cardiac valvular dysplasia, X-linked. Last evaluated: 2021-07-02. Review status: criteria provided, single submitter. Criteria: ACMG Guidelines, 2015. Collection method: clinical testing. Allele origin: unknown.

GeneDx
Classification: Benign. Last evaluated: 2014-06-19. Review status: criteria provided, single submitter. Criteria: GeneDx Variant Classification (06012015). Collection method: clinical testing. Allele origin: germline. Affected: yes.
Comment: This variant is considered likely benign or benign based on one or more of the following criteria: it is a conservative change, it occurs at a poorly conserved position in the protein, it is predicted to be benign by multiple in silico algorithms, and/or has population frequency not consistent with disease.

Eurofins Ntd Llc (ga)
Classification: Benign. Last evaluated: 2014-04-30. Review status: criteria provided, single submitter. Criteria: EGL Classification Definitions 2015. Collection method: clinical testing. Allele origin: germline. Observed: 1 variant allele, 1 heterozygote.

PreventionGenetics, part of Exact Sciences
Classification: Benign. Review status: criteria provided, single submitter. Criteria: ACMG Guidelines, 2015. Collection method: clinical testing. Allele origin: germline.

Clinical Genetics DNA and cytogenetics Diagnostics Lab, Erasmus MC, Erasmus Medical Center
Classification: Benign. Review status: no assertion criteria provided. Collection method: clinical testing. Allele origin: germline. Affected: yes. Study: VKGL Data-share Consensus. Not counted in ClinVar's aggregate classification.

Genome Diagnostics Laboratory, Amsterdam University Medical Center
Classification: Benign. Review status: no assertion criteria provided. Collection method: clinical testing. Allele origin: germline. Affected: yes. Study: VKGL Data-share Consensus. Not counted in ClinVar's aggregate classification.